The following is an entry in ClinVar:

NM_001291867.2(NHS):c.2496C>A (p.His832Gln)

Gene: NHS (NHS actin remodeling regulator; plus strand). Cytogenetic location: Xp22.13.
Variant type: single nucleotide variant.
Coding change: c.2496C>A on transcript NM_001291867.2 (MANE Select); coding-DNA position 2496, C replaced by A.
Protein change: p.His832Gln; replaces histidine 832 with glutamine.
Molecular consequence: missense variant.
Genome position (GRCh38, 1-based): chrX:17,726,602, C>A. VCF-style: chrX-17726602-C-A. GRCh37 (hg19) VCF-style: chrX-17744722-C-A.
Other names: c.1965C>A, p.His655Gln (NM_001136024.4); c.1902C>A, p.His634Gln (NM_001291868.2); c.2433C>A, p.His811Gln (NM_198270.4); c.2433C>A (NM_198270.2); short protein forms H634Q, H655Q, H811Q, H832Q.
Identifiers: ClinVar variation 3032739 (VCV003032739.3), dbSNP rs369343316, ClinGen allele CA10358729.
Genomic context (GRCh38, chrX:17,726,602, plus strand): 5'-CCAGGGTGTAGGGGCTTCCCCTGGTCTTCCAGATTGTGCCTGGCAGGACTACTTAGACCA[C>A]AAGAGGCAGGGAAGACCAAGCATCTCTTTCAGGAAACCAAAGGCAAAGCCGACCCCACCT-3'
Protein context (NP_001278796.1, residues 822-842): PDCAWQDYLD[His832Gln]KRQGRPSISF

ClinVar aggregate classification (germline): Likely benign. Review status: criteria provided, single submitter (1 of 4 stars). 2 submissions from 2 submitters: Likely benign (1). 1 of the submissions does not count toward it. Last evaluated 2025-08-28.

Conditions:
NHS-related disorder. Also called: NHS-related condition.
Inborn genetic diseases. Identifiers: MedGen C0950123, MeSH D030342.

Allele frequency attached by ClinVar (database versions not stated): gnomAD exomes 0.00008; ESP Exome Variant Server 0.00009; ExAC 0.00002; TOPMed 0.00006; gnomAD 0.00008.
gnomAD v4.1: 92 of 1,210,301 alleles (0.0076%); highest among the groups gnomAD compares: Non-Finnish European, 0.0099%; no homozygotes.

Submissions (2):

Ambry Genetics
Classification: Likely benign for Inborn genetic diseases. Last evaluated: 2025-08-28. Review status: criteria provided, single submitter. Criteria: Ambry Variant Classification Scheme 2023. Collection method: clinical testing. Allele origin: germline.

PreventionGenetics, part of Exact Sciences
Classification: Likely benign for NHS-related condition. Last evaluated: 2020-09-24. Review status: no assertion criteria provided. Collection method: clinical testing. Allele origin: germline. Not counted in ClinVar's aggregate classification.
Comment: This variant is classified as likely benign based on ACMG/AMP sequence variant interpretation guidelines (Richards et al. 2015 PMID: 25741868, with internal and published modifications).